The following is an entry in ClinVar:

ClinVar aggregate classification (germline): Likely benign (1 of 4 stars; one submission).

Conditions:
TRPV4-related disorder. Also called: TRPV4-related disorders; TRPV4-related condition.

gnomAD v4.1: 28 of 1,611,882 alleles (0.0017%); highest among the groups gnomAD compares: Non-Finnish European, 0.0022%; no homozygotes.

Submission:

PreventionGenetics, part of Exact Sciences
Classification: Likely benign for TRPV4-related condition. Last evaluated: 2024-12-04. Review status: criteria provided, single submitter. Criteria: ACMG Guidelines, 2015. Collection method: clinical testing. Allele origin: germline.
Comment: This variant is classified as likely benign based on ACMG/AMP sequence variant interpretation guidelines (Richards et al. 2015 PMID: 25741868, with internal and published modifications).

NM_021625.5(TRPV4):c.*5T>C

Gene: TRPV4 (transient receptor potential cation channel subfamily V member 4; minus strand). Cytogenetic location: 12q24.11.
Variant type: single nucleotide variant.
Coding change: c.*5T>C on transcript NM_021625.5 (MANE Select); 5 bases downstream of the stop codon, T replaced by C.
Molecular consequence: 3 prime UTR variant.
Genome position (GRCh38, 1-based): chr12:109,783,616, A>G on the plus strand (T>C on the coding strand, the complement: TRPV4 is on the minus strand). VCF-style: chr12-109783616-A-G. GRCh37 (hg19) VCF-style: chr12-110221421-A-G.
Other names: c.*5T>C (NM_001177428.2, NM_001177431.2, NM_001177433.2 and 1 more transcripts).
Identifiers: ClinVar variation 4981303 (VCV004981303.1).